The following is an entry in ClinVar:

NM_000719.7(CACNA1C):c.137C>T (p.Pro46Leu)

Gene: CACNA1C (calcium voltage-gated channel subunit alpha1 C; plus strand). Cytogenetic location: 12p13.33.
Variant type: single nucleotide variant.
Coding change: c.137C>T on transcript NM_000719.7 (MANE Select); coding-DNA position 137, C replaced by T.
Protein change: p.Pro46Leu; replaces proline 46 with leucine.
Molecular consequence: missense variant.
Genome position (GRCh38, 1-based): chr12:2,115,311, C>T. VCF-style: chr12-2115311-C-T. GRCh37 (hg19) VCF-style: chr12-2224477-C-T.
Other names: c.137C>T (NM_001129827.1); c.137C>T, p.Pro46Leu (NM_001129827.2, NM_001129829.2, NM_001129830.3 and 19 more transcripts); short protein forms P46L.
Identifiers: ClinVar variation 956992 (VCV000956992.11), dbSNP rs770830796, ClinGen allele CA6388395.

ClinVar aggregate classification (germline): Uncertain significance. Review status: criteria provided, multiple submitters, no conflicts (2 of 4 stars). 3 submissions from 3 submitters: Uncertain significance (3). Last evaluated 2025-09-24.

Conditions:
Long QT syndrome (LQTS). Identifiers: MedGen C0023976, MeSH D008133, MONDO:0002442. Disease mechanism: loss of function. Inheritance: Various modes of inheritance.
Timothy syndrome (TS). Also called: LONG QT SYNDROME WITH SYNDACTYLY. Identifiers: Orphanet 65283, MedGen C1832916, MeSH C536962, MONDO:0010979, OMIM 601005.
Brugada syndrome 3 (BRGDA3). Identifiers: Orphanet 130, MedGen C2678478, MONDO:0012742, OMIM 611875.
Neurodevelopmental disorder with hypotonia, language delay, and skeletal defects with or without seizures (NEDHLSS). Identifiers: MedGen C5774213, MONDO:0859286, OMIM 620029.
Long QT syndrome 8. Identifiers: MedGen CN260585, MONDO:0032756, OMIM 618447.

Allele frequency attached by ClinVar (database versions not stated): gnomAD 0.00001; ExAC 0.00002.
gnomAD v4.1: 8 of 1,594,352 alleles (0.0005%); highest among the groups gnomAD compares: East Asian, 0.0023%; no homozygotes.

Submissions (3):

Labcorp Genetics (formerly Invitae), Labcorp
Classification: Uncertain significance for Long QT syndrome. Last evaluated: 2025-09-24. Review status: criteria provided, single submitter. Criteria: Invitae Variant Classification Sherloc (09022015). Collection method: clinical testing. Allele origin: germline.
Comment: This sequence change replaces proline, which is neutral and non-polar, with leucine, which is neutral and non-polar, at codon 46 of the CACNA1C protein (p.Pro46Leu). This variant is not present in population databases (gnomAD no frequency). This variant has not been reported in the literature in individuals affected with CACNA1C-related conditions. ClinVar contains an entry for this variant (Variation ID: 956992). Invitae Evidence Modeling of protein sequence and biophysical properties (such as structural, functional, and spatial information, amino acid conservation, physicochemical variation, residue mobility, and thermodynamic stability) indicates that this missense variant is not expected to disrupt CACNA1C protein function with a negative predictive value of 95%. In summary, the available evidence is currently insufficient to determine the role of this variant in disease. Therefore, it has been classified as a Variant of Uncertain Significance.

New York Genome Center
Classification: Uncertain significance for Neurodevelopmental disorder with hypotonia, language delay, and skeletal defects with or without seizures; Long QT syndrome 8; Timothy syndrome. Last evaluated: 2022-11-18. Review status: criteria provided, single submitter. Criteria: NYGC Assertion Criteria 2020. Collection method: clinical testing. Allele origin: germline. Observed: 1 heterozygote.
Comment: The c.137C>T, p.(Pro46Leu) variant identified in the CACNA1C gene substitutes a well conserved Proline for Leucine at amino acid 46/2187 (exon 2/49). This variant is found with low frequency in population databases (gnomADv2.1.1, gnomADv3.1.2, BRAVO-TOPMed, All of Us) with highest allele frequency of 1.0e-5 (0 homozygotes, All of Us), suggesting it is not a common benign variant in the populations represented in those databases. In silico algorithms predict this variant to be pathogenic to the function of the canonical transcript (REVEL=0.75). The c.137C>T variant in CACNA1C has been reported in ClinVar as a Variant of Uncertain Significance (VarID:956992) and to our current knowledge has not been reported in affected individuals in the literature. Given the lack of compelling evidence for its pathogenicity, the c.137C>T, p.(Pro46Leu) variant identified in the CACNA1C gene is reported as a Variant of Uncertain Significance.

Juno Genomics, Hangzhou Juno Genomics, Inc
Classification: Uncertain significance for Neurodevelopmental disorder with hypotonia, language delay, and skeletal defects with or without seizures; Brugada syndrome 3; Long QT syndrome 8; Timothy syndrome. Review status: criteria provided, single submitter. Criteria: ACMG Guidelines, 2015. Collection method: clinical testing. Allele origin: germline.
Comment: Missense variant in a gene that has a low rate of benign missense variation.;Multiple lines of computational evidence support a deleterious effect on the gene or gene product.;Absent from controls (or at extremely low frequency if recessive) in Genome Aggregation Database.